The following is an entry in ClinVar:

NM_001148.6(ANK2):c.8060T>C (p.Ile2687Thr)

Gene: ANK2 (ankyrin 2; plus strand). Cytogenetic location: 4q26.
Variant type: single nucleotide variant.
Coding change: c.8060T>C on transcript NM_001148.6 (MANE Select); coding-DNA position 8060, T replaced by C.
Protein change: p.Ile2687Thr; replaces isoleucine 2687 with threonine.
Molecular consequence: missense variant. On other transcripts: intron variant (68).
Genome position (GRCh38, 1-based): chr4:113,356,678, T>C. VCF-style: chr4-113356678-T-C. GRCh37 (hg19) VCF-style: chr4-114277834-T-C.
Other names: c.4241-4145T>C (NM_001354266.2, NM_001354276.2, NM_001354267.2 and 2 more transcripts); c.4208-4145T>C (NM_001386146.1, NM_001386150.1, NM_001386149.1 and 1 more transcripts); c.4193-4145T>C (NM_001354274.2, NM_001386154.1); c.4142-4145T>C (NM_001386151.1, NM_001354260.2, NM_001354271.2); c.4043-4145T>C (NM_001386157.1, NM_001354277.2); c.4361-4145T>C (NM_001386161.1, NM_001354244.2, NM_001354256.2); c.4286-4145T>C (NM_001354261.2); c.4166-4145T>C (NM_001386156.1, NM_001354257.2); and 35 more; short protein forms I1487T, I2609T, I2726T, I2687T, I2734T.
Identifiers: ClinVar variation 3023480 (VCV003023480.3), dbSNP rs2505807857, ClinGen allele CA357932954.

ClinVar aggregate classification (germline): Uncertain significance (1 of 4 stars; one submission).

Conditions:
Long QT syndrome (LQTS). Identifiers: MedGen C0023976, MeSH D008133, MONDO:0002442. Disease mechanism: loss of function. Inheritance: Various modes of inheritance.

Submission:

Labcorp Genetics (formerly Invitae), Labcorp
Classification: Uncertain significance for Long QT syndrome. Last evaluated: 2023-07-06. Review status: criteria provided, single submitter. Criteria: Invitae Variant Classification Sherloc (09022015). Collection method: clinical testing. Allele origin: germline.
Comment: In summary, the available evidence is currently insufficient to determine the role of this variant in disease. Therefore, it has been classified as a Variant of Uncertain Significance. This variant has not been reported in the literature in individuals affected with ANK2-related conditions. This variant is not present in population databases (gnomAD no frequency). This sequence change replaces isoleucine, which is neutral and non-polar, with threonine, which is neutral and polar, at codon 2687 of the ANK2 protein (p.Ile2687Thr). An algorithm developed to predict the effect of missense changes on protein structure and function (PolyPhen-2) suggests that this variant is likely to be disruptive.